The following is an entry in ClinVar:

ClinVar aggregate classification (germline): Uncertain significance. Review status: criteria provided, multiple submitters, no conflicts (2 of 4 stars). 2 submissions from 2 submitters: Uncertain significance (2). Last evaluated 2024-09-05.

Conditions:
Inborn genetic diseases. Identifiers: MedGen C0950123, MeSH D030342.
Primary ciliary dyskinesia. Also called: Ciliary dyskinesia. Identifiers: Orphanet 244, MedGen C0008780, MONDO:0016575, HP:0012265.

Allele frequency attached by ClinVar (database versions not stated): ExAC 0.00007; gnomAD exomes 0.00007 and 0.00012; ESP Exome Variant Server 0.00008; gnomAD 0.00009; TOPMed 0.00015; 1000 Genomes Project 30x 0.00016; 1000 Genomes Project 0.00020.

Submissions (2):

Labcorp Genetics (formerly Invitae), Labcorp
Classification: Uncertain significance for Primary ciliary dyskinesia. Last evaluated: 2024-09-05. Review status: criteria provided, single submitter. Criteria: Invitae Variant Classification Sherloc (09022015). Collection method: clinical testing. Allele origin: germline.
Comment: This sequence change replaces arginine, which is basic and polar, with glutamine, which is neutral and polar, at codon 206 of the DRC1 protein (p.Arg206Gln). This variant is present in population databases (rs141540461, gnomAD 0.01%). This variant has not been reported in the literature in individuals affected with DRC1-related conditions. ClinVar contains an entry for this variant (Variation ID: 565442). An algorithm developed to predict the effect of missense changes on protein structure and function (PolyPhen-2) suggests that this variant is likely to be disruptive. In summary, the available evidence is currently insufficient to determine the role of this variant in disease. Therefore, it has been classified as a Variant of Uncertain Significance.

Ambry Genetics
Classification: Uncertain significance for Inborn genetic diseases. Last evaluated: 2023-03-20. Review status: criteria provided, single submitter. Criteria: Ambry Variant Classification Scheme 2023. Collection method: clinical testing. Allele origin: germline.

NM_145038.5(DRC1):c.617G>A (p.Arg206Gln)

Gene: DRC1 (dynein regulatory complex subunit 1; plus strand). Cytogenetic location: 2p23.3.
Variant type: single nucleotide variant.
Coding change: c.617G>A on transcript NM_145038.5 (MANE Select); coding-DNA position 617, G replaced by A.
Protein change: p.Arg206Gln; replaces arginine 206 with glutamine.
Molecular consequence: missense variant.
Genome position (GRCh38, 1-based): chr2:26,429,704, G>A. VCF-style: chr2-26429704-G-A. GRCh37 (hg19) VCF-style: chr2-26652572-G-A.
Other names: c.617G>A (NM_145038.2); short protein forms R206Q.
Identifiers: ClinVar variation 565442 (VCV000565442.8), dbSNP rs141540461, ClinGen allele CA1561915.